The following is an entry in ClinVar:

NM_000214.3(JAG1):c.1744A>G (p.Met582Val)

Gene: JAG1 (jagged canonical Notch ligand 1; minus strand). Cytogenetic location: 20p12.2.
Variant type: single nucleotide variant.
Coding change: c.1744A>G on transcript NM_000214.3 (MANE Select); coding-DNA position 1744, A replaced by G.
Protein change: p.Met582Val; replaces methionine 582 with valine.
Molecular consequence: missense variant.
Genome position (GRCh38, 1-based): chr20:10,647,080, T>C on the plus strand (A>G on the coding strand, the complement: JAG1 is on the minus strand). VCF-style: chr20-10647080-T-C. GRCh37 (hg19) VCF-style: chr20-10627728-T-C.
Other names: short protein forms M582V.
Identifiers: ClinVar variation 1387192 (VCV001387192.8), dbSNP rs2067314648, ClinGen allele CA408236630.

ClinVar aggregate classification (germline): Uncertain significance (1 of 4 stars; one submission).

Conditions:
Alagille syndrome due to a JAG1 point mutation. Also called: HEPATIC DUCTULAR HYPOPLASIA, SYNDROMATIC; Alagille Syndrome 1; JAG1-Related Alagille Syndrome. Identifiers: Orphanet 261619, Orphanet 52, MedGen C1956125, MONDO:0016862, OMIM 118450.

Submission:

Labcorp Genetics (formerly Invitae), Labcorp
Classification: Uncertain significance for Alagille syndrome due to a JAG1 point mutation. Last evaluated: 2022-03-23. Review status: criteria provided, single submitter. Criteria: Invitae Variant Classification Sherloc (09022015). Collection method: clinical testing. Allele origin: germline.
Comment: In summary, the available evidence is currently insufficient to determine the role of this variant in disease. Therefore, it has been classified as a Variant of Uncertain Significance. Advanced modeling of protein sequence and biophysical properties (such as structural, functional, and spatial information, amino acid conservation, physicochemical variation, residue mobility, and thermodynamic stability) performed at Invitae indicates that this missense variant is not expected to disrupt JAG1 protein function. This variant has not been reported in the literature in individuals affected with JAG1-related conditions. This variant is not present in population databases (gnomAD no frequency). This sequence change replaces methionine, which is neutral and non-polar, with valine, which is neutral and non-polar, at codon 582 of the JAG1 protein (p.Met582Val).